The following is an entry in ClinVar:

ClinVar aggregate classification (germline): Pathogenic (1 of 4 stars; one submission).

gnomAD v4.1: 7 of 1,614,004 alleles (0.00043%); highest among the groups gnomAD compares: Non-Finnish European, 0.00051%; no homozygotes.

Submission:

Labcorp Genetics (formerly Invitae), Labcorp
Classification: Pathogenic. Last evaluated: 2022-08-26. Review status: criteria provided, single submitter. Criteria: Invitae Variant Classification Sherloc (09022015). Collection method: clinical testing. Allele origin: germline.
Comment: For these reasons, this variant has been classified as Pathogenic. This variant has not been reported in the literature in individuals affected with ASXL1-related conditions. This variant is present in population databases (no rsID available, gnomAD 0.004%). This sequence change creates a premature translational stop signal (p.Gln372*) in the ASXL1 gene. It is expected to result in an absent or disrupted protein product. Loss-of-function variants in ASXL1 are known to be pathogenic (PMID: 21706002).

Literature cited by the submitters: PubMed 21706002.

NM_015338.6(ASXL1):c.1114C>T (p.Gln372Ter)

Gene: ASXL1 (ASXL transcriptional regulator 1; plus strand). Cytogenetic location: 20q11.21.
Variant type: single nucleotide variant.
Coding change: c.1114C>T on transcript NM_015338.6 (MANE Select); coding-DNA position 1114, C replaced by T.
Protein change: p.Gln372Ter; replaces glutamine 372 with a stop codon.
Molecular consequence: nonsense.
Genome position (GRCh38, 1-based): chr20:32,433,312, C>T. VCF-style: chr20-32433312-C-T. GRCh37 (hg19) VCF-style: chr20-31021115-C-T.
Other names: c.931C>T, p.Gln311Ter (NM_001363734.1); short protein forms Q311*, Q372*.
Identifiers: ClinVar variation 2107834 (VCV002107834.4), dbSNP rs199846284, ClinGen allele CA408555849.